The following is an entry in ClinVar:

ClinVar aggregate classification (germline): Uncertain significance (1 of 4 stars; one submission).

Submission:

Ambry Genetics
Classification: Uncertain significance. Last evaluated: 2024-08-07. Review status: criteria provided, single submitter. Criteria: Ambry Variant Classification Scheme 2023. Collection method: clinical testing. Allele origin: germline.
Comment: The p.S141F variant (also known as c.422C>T), located in coding exon 4 of the KIF1B gene, results from a C to T substitution at nucleotide position 422. The serine at codon 141 is replaced by phenylalanine, an amino acid with highly dissimilar properties. This amino acid position is conserved. In addition, this alteration is predicted to be deleterious by in silico analysis. Based on the available evidence, the clinical significance of this variant remains unclear.

NM_001365951.3(KIF1B):c.422C>T (p.Ser141Phe)

Genes: KIF1B (kinesin family member 1B; plus strand), LOC129388447 (MPRA-validated peak65 silencer; plus strand). Cytogenetic location: 1p36.22.
Variant type: single nucleotide variant.
Coding change: c.422C>T on transcript NM_001365951.3 (MANE Select); coding-DNA position 422, C replaced by T.
Protein change: p.Ser141Phe; replaces serine 141 with phenylalanine.
Molecular consequence: missense variant.
Genome position (GRCh38, 1-based): chr1:10,261,963, C>T. VCF-style: chr1-10261963-C-T. GRCh37 (hg19) VCF-style: chr1-10322021-C-T.
Other names: c.422C>T, p.Ser141Phe (NM_001365952.1, NM_001365953.1, NM_015074.3 and 1 more transcripts); short protein forms S141F.
Identifiers: ClinVar variation 3533966 (VCV003533966.1).